The following is an entry in ClinVar:

ClinVar aggregate classification (germline): Pathogenic/Likely pathogenic. Review status: criteria provided, multiple submitters, no conflicts (2 of 4 stars). 7 submissions from 7 submitters: Pathogenic (3); Likely pathogenic (1). 3 of the submissions do not count toward it. Last evaluated 2025-07-16.

Conditions:
Hereditary cancer-predisposing syndrome. Also called: Neoplastic Syndromes, Hereditary; Hereditary neoplastic syndrome; Tumor predisposition; Hereditary Cancer Syndrome. Identifiers: Orphanet 140162, MedGen C0027672, MeSH D009386, MONDO:0015356.
Fanconi anemia complementation group O. Also called: RAD51C-Related Fanconi Anemia. Identifiers: Orphanet 84, MedGen C3150653, MONDO:0013248, OMIM 613390.
Breast-ovarian cancer, familial, susceptibility to, 3. Also called: RAD51C-Related Breast/Ovarian Cancer. Identifiers: Orphanet 145, MedGen C3150659, MONDO:0013253, OMIM 613399.
Ovarian neoplasm. Also called: Ovarian tumor; Ovarian Neoplasms; Neoplasm of ovary. Identifiers: MedGen C0919267, MeSH D010051, MONDO:0021068, HP:0100615.

Submissions (7):

Labcorp Genetics (formerly Invitae), Labcorp
Classification: Pathogenic for Fanconi anemia complementation group O. Last evaluated: 2025-07-16. Review status: criteria provided, single submitter. Criteria: Invitae Variant Classification Sherloc (09022015). Collection method: clinical testing. Allele origin: germline.
Comment: This sequence change creates a premature translational stop signal (p.Gly77Valfs*24) in the RAD51C gene. It is expected to result in an absent or disrupted protein product. Loss-of-function variants in RAD51C are known to be pathogenic (PMID: 20400964, 21990120, 24800917, 29278735). This variant is not present in population databases (gnomAD no frequency). This premature translational stop signal has been observed in individual(s) with ovarian cancer (PMID: 21990120). ClinVar contains an entry for this variant (Variation ID: 31557). Algorithms developed to predict the effect of sequence changes on RNA splicing suggest that this variant may disrupt the consensus splice site. For these reasons, this variant has been classified as Pathogenic.

Center for Genomic Medicine, Rigshospitalet, Copenhagen University Hospital
Classification: Pathogenic. Last evaluated: 2025-03-04. Review status: criteria provided, single submitter. Criteria: ACMG Guidelines, 2015. Collection method: clinical testing. Allele origin: germline.

GeneDx
Classification: Likely pathogenic. Last evaluated: 2024-09-23. Review status: criteria provided, single submitter. Criteria: GeneDx Variant Classification Process June 2021. Collection method: clinical testing. Allele origin: germline. Affected: yes.
Comment: Frameshift variant predicted to result in protein truncation or nonsense mediated decay in a gene for which loss of function is a known mechanism of disease; Not observed at significant frequency in large population cohorts (gnomAD); Observed in a patient with ovarian cancer (PMID: 21990120); This variant is associated with the following publications: (PMID: 21990120)

Ambry Genetics
Classification: Pathogenic for Hereditary cancer-predisposing syndrome. Last evaluated: 2023-05-26. Review status: criteria provided, single submitter. Criteria: Ambry Variant Classification Scheme 2023. Collection method: clinical testing. Allele origin: germline.
Comment: The c.230delG pathogenic mutation, located in coding exon 2 of the RAD51C gene, results from a deletion of one nucleotide at nucleotide position 230, causing a translational frameshift with a predicted alternate stop codon (p.G77Vfs*24). This variant has been reported in a patient with high-grade serous ovarian cancer and metachronous breast cancer; This variant is considered to be rare based on population cohorts in the Genome Aggregation Database (gnomAD). This alteration is expected to result in loss of function by premature protein truncation or nonsense-mediated mRNA decay. As such, this alteration is interpreted as a disease-causing mutation.

BRCAlab, Lund University
Classification: Pathogenic for Breast-ovarian cancer, familial, susceptibility to, 3. Last evaluated: 2022-08-26. Review status: no assertion criteria provided. Collection method: clinical testing. Allele origin: germline. Affected: yes. Not counted in ClinVar's aggregate classification.

Leiden Open Variation Database
Classification: Pathogenic for Ovarian cancer. Last evaluated: 2020-02-28. Review status: no assertion criteria provided. Collection method: curation. Allele origin: germline. Affected: yes. Not counted in ClinVar's aggregate classification.
Comment: Curator: Arleen D. Auerbach. Submitter to LOVD: Ian Campbell.

OMIM
Classification: risk factor for BREAST-OVARIAN CANCER, FAMILIAL, SUSCEPTIBILITY TO, 3. Last evaluated: 2012-01-01. Review status: no assertion criteria provided. Collection method: literature only. Allele origin: germline. Not counted in ClinVar's aggregate classification.

Literature cited by the submitters: PubMed 20400964 (cited by Labcorp Genetics (formerly Invitae), Labcorp); PubMed 21990120 (cited by 5 submitters); PubMed 24800917 (cited by Labcorp Genetics (formerly Invitae), Labcorp); PubMed 29278735 (cited by Labcorp Genetics (formerly Invitae), Labcorp).

NM_058216.3(RAD51C):c.230del (p.Gly77fs)

Gene: RAD51C (RAD51 paralog C; plus strand). Cytogenetic location: 17q22.
Variant type: Deletion.
Coding change: c.230del on transcript NM_058216.3 (MANE Select); coding-DNA position 230, one base deleted (G; older notation c.230delG).
Protein change: p.Gly77fs; shifts the reading frame from glycine 77.
Molecular consequence: frameshift variant. On other transcripts: non-coding transcript variant (2).
Genome position (GRCh38, 1-based): chr17:58,695,015, G deleted; the last of 2 consecutive G bases (chr17:58,695,014-58,695,015); deleting either gives the same sequence. VCF-style (leftmost placement, unchanged base first): chr17-58695013-TG-T. GRCh37 (hg19) VCF-style: chr17-56772374-TG-T.
Other names: c.230del (NM_058216.1); c.230del, p.Gly77fs (NM_002876.4); c.230delG (NM_058216.3); short protein forms G77fs.
Identifiers: ClinVar variation 31557 (VCV000031557.32), dbSNP rs1057519355, ClinGen allele CA16044116.